The following is an entry in ClinVar:

NM_001005373.4(LRSAM1):c.500A>G (p.Gln167Arg)

Gene: LRSAM1 (leucine rich repeat and sterile alpha motif containing 1; plus strand). Cytogenetic location: 9q33.3.
Variant type: single nucleotide variant.
Coding change: c.500A>G on transcript NM_001005373.4 (MANE Select); coding-DNA position 500, A replaced by G.
Protein change: p.Gln167Arg; replaces glutamine 167 with arginine.
Molecular consequence: missense variant. On other transcripts: 5 prime UTR variant (1), non-coding transcript variant (2).
Genome position (GRCh38, 1-based): chr9:127,462,345, A>G. VCF-style: chr9-127462345-A-G. GRCh37 (hg19) VCF-style: chr9-130224624-A-G.
Other names: c.500A>G, p.Gln167Arg (NM_001384142.1, NM_001384143.1, NM_001005374.4 and 2 more transcripts); c.-285A>G (NM_001384144.1); short protein forms Q167R.
Identifiers: ClinVar variation 3666771 (VCV003666771.2).

ClinVar aggregate classification (germline): Uncertain significance (1 of 4 stars; one submission).

Conditions:
Charcot-Marie-Tooth disease axonal type 2P. Also called: Charcot-Marie-Tooth Neuropathy Type 2G; CHARCOT-MARIE-TOOTH NEUROPATHY, TYPE 2P; CHARCOT-MARIE-TOOTH DISEASE, AXONAL, TYPE 2G; CMT 2G. Identifiers: Orphanet 300319, Orphanet 99941, MedGen C3280797, MONDO:0013753, OMIM 614436.

gnomAD v4.1: 4 of 1,614,082 alleles (0.00025%); highest among the groups gnomAD compares: Non-Finnish European, 0.00034%; no homozygotes.

Submission:

Labcorp Genetics (formerly Invitae), Labcorp
Classification: Uncertain significance for Charcot-Marie-Tooth disease axonal type 2P. Last evaluated: 2024-03-05. Review status: criteria provided, single submitter. Criteria: Invitae Variant Classification Sherloc (09022015). Collection method: clinical testing. Allele origin: germline.
Comment: This sequence change replaces glutamine, which is neutral and polar, with arginine, which is basic and polar, at codon 167 of the LRSAM1 protein (p.Gln167Arg). This variant is not present in population databases (gnomAD no frequency). This variant has not been reported in the literature in individuals affected with LRSAM1-related conditions. Advanced modeling of protein sequence and biophysical properties (such as structural, functional, and spatial information, amino acid conservation, physicochemical variation, residue mobility, and thermodynamic stability) performed at Invitae indicates that this missense variant is not expected to disrupt LRSAM1 protein function with a negative predictive value of 80%. In summary, the available evidence is currently insufficient to determine the role of this variant in disease. Therefore, it has been classified as a Variant of Uncertain Significance.